The following is an entry in ClinVar:

NM_000038.6(APC):c.8009G>T (p.Arg2670Ile)

Gene: APC (APC regulator of Wnt signaling pathway; plus strand). Cytogenetic location: 5q22.2.
Variant type: single nucleotide variant.
Coding change: c.8009G>T on transcript NM_000038.6 (MANE Select); coding-DNA position 8009, G replaced by T.
Protein change: p.Arg2670Ile; replaces arginine 2670 with isoleucine.
Molecular consequence: missense variant.
Genome position (GRCh38, 1-based): chr5:112,843,603, G>T. VCF-style: chr5-112843603-G-T. GRCh37 (hg19) VCF-style: chr5-112179300-G-T.
Other names: c.8009G>T, p.Arg2670Ile (NM_001127510.3, NM_001354895.2, NM_001407450.1); c.7955G>T, p.Arg2652Ile (NM_001127511.3); c.8063G>T, p.Arg2688Ile (NM_001354896.2, NM_001407447.1, NM_001407448.1 and 1 more transcripts); c.8039G>T, p.Arg2680Ile (NM_001354897.2); c.7934G>T, p.Arg2645Ile (NM_001354898.2); c.7925G>T, p.Arg2642Ile (NM_001354899.2); c.7886G>T, p.Arg2629Ile (NM_001354900.2); c.7832G>T, p.Arg2611Ile (NM_001354901.2, NM_001407453.1); and 11 more; short protein forms R2569I, R2660I, R2670I, R2680I, R2286I, R2544I, R2642I, R2645I.
Identifiers: ClinVar variation 1761625 (VCV001761625.7), dbSNP rs1561619903, ClinGen allele CA16038731.

ClinVar aggregate classification (germline): Uncertain significance. Review status: criteria provided, multiple submitters, no conflicts (2 of 4 stars). 2 submissions from 2 submitters: Uncertain significance (2). Last evaluated 2022-01-19.

Conditions:
Hereditary cancer-predisposing syndrome. Also called: Neoplastic Syndromes, Hereditary; Tumor predisposition; Hereditary Cancer Syndrome; Hereditary neoplastic syndrome. Identifiers: Orphanet 140162, MedGen C0027672, MeSH D009386, MONDO:0015356.
Familial adenomatous polyposis 1 (FAP1). Also called: FAMILIAL ADENOMATOUS POLYPOSIS 1, ATTENUATED; POLYPOSIS, ADENOMATOUS INTESTINAL. Identifiers: MedGen C2713442, MONDO:0021056, OMIM 175100. Disease mechanism: loss of function.

Submissions (2):

Ambry Genetics
Classification: Uncertain significance for Hereditary cancer-predisposing syndrome. Last evaluated: 2022-01-19. Review status: criteria provided, single submitter. Criteria: Ambry Variant Classification Scheme 2023. Collection method: clinical testing. Allele origin: germline.
Comment: The p.R2670I variant (also known as c.8009G>T), located in coding exon 15 of the APC gene, results from a G to T substitution at nucleotide position 8009. The arginine at codon 2670 is replaced by isoleucine, an amino acid with similar properties. This amino acid position is conserved. In addition, in silico predictors for this gene do not accurately predict pathogenicity. Since supporting evidence is limited at this time, the clinical significance of this alteration remains unclear.

Labcorp Genetics (formerly Invitae), Labcorp
Classification: Uncertain significance for Familial adenomatous polyposis 1. Last evaluated: 2022-01-06. Review status: criteria provided, single submitter. Criteria: Invitae Variant Classification Sherloc (09022015). Collection method: clinical testing. Allele origin: germline.
Comment: In summary, the available evidence is currently insufficient to determine the role of this variant in disease. Therefore, it has been classified as a Variant of Uncertain Significance. Algorithms developed to predict the effect of missense changes on protein structure and function are either unavailable or do not agree on the potential impact of this missense change (SIFT: "Deleterious"; PolyPhen-2: "Probably Damaging"; Align-GVGD: "Class C0"). This variant has not been reported in the literature in individuals affected with APC-related conditions. This variant is not present in population databases (gnomAD no frequency). This sequence change replaces arginine, which is basic and polar, with isoleucine, which is neutral and non-polar, at codon 2670 of the APC protein (p.Arg2670Ile).